The following is an entry in ClinVar:

ClinVar aggregate classification (germline): Uncertain significance (1 of 4 stars; one submission).

Submission:

GeneDx
Classification: Uncertain significance. Last evaluated: 2019-07-12. Review status: criteria provided, single submitter. Criteria: GeneDx Variant Classification Process June 2021. Collection method: clinical testing. Allele origin: germline. Affected: yes.
Comment: Not observed in large population cohorts (Lek et al., 2016); In silico analysis, which includes protein predictors and evolutionary conservation, supports that this variant does not alter protein structure/function; Has not been previously published as pathogenic or benign to our knowledge

NM_006949.4(STXBP2):c.1303A>G (p.Ser435Gly)

Gene: STXBP2 (syntaxin binding protein 2; plus strand). Cytogenetic location: 19p13.2.
Variant type: single nucleotide variant.
Coding change: c.1303A>G on transcript NM_006949.4 (MANE Select); coding-DNA position 1303, A replaced by G.
Protein change: p.Ser435Gly; replaces serine 435 with glycine.
Molecular consequence: missense variant. On other transcripts: non-coding transcript variant (1).
Genome position (GRCh38, 1-based): chr19:7,645,253, A>G. VCF-style: chr19-7645253-A-G. GRCh37 (hg19) VCF-style: chr19-7710139-A-G.
Other names: c.1294A>G, p.Ser432Gly (NM_001127396.3); c.1336A>G, p.Ser446Gly (NM_001272034.2); short protein forms S432G, S435G, S446G.
Identifiers: ClinVar variation 1307151 (VCV001307151.2), dbSNP rs2146228334, ClinGen allele CA403161399.
Genomic context (GRCh38, chr19:7,645,253, plus strand): 5'-CCAGGTGTGAGTGAGGAGAACCTGGCCAAGCTGATCCAGCATGCCAATGTACAGGCGCAC[A>G]GCAGCCTCATCCGTAACCTGGAGCAGCTGGGAGGCACTGTCACCAACCCCGGGGTACGCC-3'
Protein context (NP_008880.2, residues 425-445): LIQHANVQAH[Ser435Gly]SLIRNLEQLG